The following is an entry in ClinVar:

ClinVar aggregate classification (germline): Likely pathogenic (1 of 4 stars; one submission).

Conditions:
Nephrotic syndrome, IIa 26. Also called: Nephrotic syndrome, type 26. Identifiers: MedGen C5774221, MONDO:0031061, OMIM 620049.

Submission:

Variantyx, Inc.
Classification: Likely pathogenic for Nephrotic syndrome, IIa 26. Last evaluated: 2025-05-12. Review status: criteria provided, single submitter. Criteria: Variantyx Assertion Criteria 2022. Collection method: clinical testing. Allele origin: germline. Inheritance: Autosomal recessive inheritance. Affected: no.
Comment: This is a frameshift variant in the LAMA5 gene (OMIM: 601033). Pathogenic variants in this gene have been associated with autosomal recessive nephrotic syndrome type 26. This variant introduces a premature termination codon in exon 16 out of 80 and is expected to result in loss of function, which is a known disease mechanism for LAMA5 in this disorder (PMID:35419533) (PVS1). This variant has a 0.0006% maximum allele frequency in non-founder control populations (PM2). Based on the current evidence, this variant is classified as likely pathogenic for autosomal recessive nephrotic syndrome type 26.

Literature cited by the submitters: PubMed 35419533.

NM_005560.6(LAMA5):c.2126_2127delinsACG (p.Thr709fs)

Gene: LAMA5 (laminin subunit alpha 5; minus strand). Cytogenetic location: 20q13.33.
Variant type: Indel.
Coding change: c.2126_2127delinsACG on transcript NM_005560.6 (MANE Select); coding-DNA positions 2126 to 2127, CA replaced by ACG.
Protein change: p.Thr709fs; shifts the reading frame from threonine 709.
Molecular consequence: frameshift variant.
Genome position (GRCh38, 1-based): chr20:62,337,627-62,337,628, TG replaced by CGT on the plus strand (CA replaced by ACG on the coding strand, the reverse complement: LAMA5 is on the minus strand). VCF-style: chr20-62337627-TG-CGT. GRCh37 (hg19) VCF-style: chr20-60912683-TG-CGT.
Other names: short protein forms T709fs.
Identifiers: ClinVar variation 4852213 (VCV004852213.1).
Genomic context (GRCh38, chr20:62,337,627, plus strand): 5'-CACACAGCCACCTGCCTGCTCACCTTCGCAGTAGGGGAAGTTGTAGGCACCGGGCACACA[TG>CGT]TGTCACACCGCAGCCCCGTCACACGGGGCCGGCAGCTGCACTGCCCACTCCGGGGGTCAC-3'